The following is an entry in ClinVar:

NM_001184900.3(CARD8):c.146G>A (p.Arg49Gln)

Gene: CARD8 (caspase recruitment domain family member 8; minus strand). Cytogenetic location: 19q13.33.
Variant type: single nucleotide variant.
Coding change: c.146G>A on transcript NM_001184900.3 (MANE Select); coding-DNA position 146, G replaced by A.
Protein change: p.Arg49Gln; replaces arginine 49 with glutamine.
Molecular consequence: missense variant. On other transcripts: 5 prime UTR variant (1), non-coding transcript variant (1), intron variant (11).
Genome position (GRCh38, 1-based): chr19:48,238,446, C>T on the plus strand (G>A on the coding strand, the complement: CARD8 is on the minus strand). VCF-style: chr19-48238446-C-T. GRCh37 (hg19) VCF-style: chr19-48741703-C-T.
Other names: c.146G>A, p.Arg49Gln (NM_001184902.2, NM_001184903.1, NM_001184904.2 and 1 more transcripts); c.-57G>A (NM_001351790.2); c.-66+2516G>A (NM_001351787.2, NM_001351791.2, NM_001351792.2 and 2 more transcripts); c.59+2516G>A (NM_001351788.2, NM_001351789.2, NM_014959.5 and 2 more transcripts); c.-280+2516G>A (NM_001351786.2); short protein forms R49Q.
Identifiers: ClinVar variation 4977058 (VCV004977058.1).

ClinVar aggregate classification (germline): Uncertain significance (1 of 4 stars; one submission).

Conditions:
CARD8-related disorder. Also called: CARD8-related condition.

gnomAD v4.1: 13 of 1,536,030 alleles (0.00085%); highest among the groups gnomAD compares: East Asian, 0.0024%; no homozygotes.

Submission:

PreventionGenetics, part of Exact Sciences
Classification: Uncertain significance for CARD8-related condition. Last evaluated: 2025-12-15. Review status: criteria provided, single submitter. Criteria: ACMG Guidelines, 2015. Collection method: clinical testing. Allele origin: germline.
Comment: The CARD8 c.146G>A variant is predicted to result in the amino acid substitution p.Arg49Gln. To our knowledge, this variant has not been reported in the literature in association with inflammatory bowel disease. This variant is reported in 0.0083% of alleles in individuals of East Asian descent in gnomAD. At this time, the clinical significance of this variant is uncertain due to the absence of conclusive functional and genetic evidence.